The following is an entry in ClinVar:

ClinVar aggregate classification (germline): Uncertain significance (1 of 4 stars; one submission).

Conditions:
Dilated cardiomyopathy 1O (CMD1O). Also called: CARDIOMYOPATHY, DILATED, WITH VENTRICULAR TACHYCARDIA. Identifiers: Orphanet 154, MedGen C1837839, MONDO:0012062, OMIM 608569.

Submission:

Labcorp Genetics (formerly Invitae), Labcorp
Classification: Uncertain significance for Dilated cardiomyopathy 1O. Last evaluated: 2022-08-09. Review status: criteria provided, single submitter. Criteria: Invitae Variant Classification Sherloc (09022015). Collection method: clinical testing. Allele origin: germline.
Comment: In summary, the available evidence is currently insufficient to determine the role of this variant in disease. Therefore, it has been classified as a Variant of Uncertain Significance. Algorithms developed to predict the effect of sequence changes on RNA splicing suggest that this variant may create or strengthen a splice site. Algorithms developed to predict the effect of missense changes on protein structure and function are either unavailable or do not agree on the potential impact of this missense change (SIFT: "Deleterious"; PolyPhen-2: "Possibly Damaging"; Align-GVGD: "Class C0"). ClinVar contains an entry for this variant (Variation ID: 1001549). This variant has not been reported in the literature in individuals affected with ABCC9-related conditions. This variant is not present in population databases (gnomAD no frequency). This sequence change replaces leucine, which is neutral and non-polar, with glutamine, which is neutral and polar, at codon 1089 of the ABCC9 protein (p.Leu1089Gln).

NM_020297.4(ABCC9):c.3266T>A (p.Leu1089Gln)

Gene: ABCC9 (ATP binding cassette subfamily C member 9; minus strand). Cytogenetic location: 12p12.1.
Variant type: single nucleotide variant.
Coding change: c.3266T>A on transcript NM_020297.4 (MANE Select); coding-DNA position 3266, T replaced by A.
Protein change: p.Leu1089Gln; replaces leucine 1089 with glutamine.
Molecular consequence: missense variant.
Genome position (GRCh38, 1-based): chr12:21,844,532, A>T on the plus strand (T>A on the coding strand, the complement: ABCC9 is on the minus strand). VCF-style: chr12-21844532-A-T. GRCh37 (hg19) VCF-style: chr12-21997466-A-T.
Other names: c.3266T>A, p.Leu1089Gln (NM_001377273.1, NM_005691.4); c.2399T>A, p.Leu800Gln (NM_001377274.1); short protein forms L1089Q, L800Q.
Identifiers: ClinVar variation 1001549 (VCV001001549.8), dbSNP rs1944535610, ClinGen allele CA384118177.